The following is an entry in ClinVar:

NM_000173.7(GP1BA):c.1305_1344delinsT (p.415SEPAPSPTTPEPT[2])

Gene: GP1BA (glycoprotein Ib platelet subunit alpha; plus strand). Cytogenetic location: 17p13.2.
Variant type: Indel.
Coding change: c.1305_1344delinsT on transcript NM_000173.7 (MANE Select); coding-DNA positions 1305 to 1344, the reference bases replaced by T.
Protein change: p.415SEPAPSPTTPEPT[2].
Molecular consequence: inframe deletion.
Genome position (GRCh38, 1-based): chr17:4,933,909-4,933,948, 40 bases replaced. GRCh37 (hg19): chr17:4,837,204-4,837,243.
Identifiers: ClinVar variation 1338316 (VCV001338316.5), dbSNP rs2151108385, ClinGen allele CA2573054472.

ClinVar aggregate classification (germline): Likely benign. Review status: criteria provided, multiple submitters, no conflicts (2 of 4 stars). 2 submissions from 2 submitters: Likely benign (2). Last evaluated 2025-10-06.

Conditions:
GP1BA-related disorder. Also called: GP1BA-related condition.

Submissions (2):

PreventionGenetics, part of Exact Sciences
Classification: Likely benign for GP1BA-related condition. Last evaluated: 2025-10-06. Review status: criteria provided, single submitter. Criteria: ACMG Guidelines, 2015. Collection method: clinical testing. Allele origin: germline.
Comment: This variant is classified as likely benign based on ACMG/AMP sequence variant interpretation guidelines (Richards et al. 2015 PMID: 25741868, with internal and published modifications).

Genetic Services Laboratory, University of Chicago
Classification: Likely benign. Last evaluated: 2017-09-21. Review status: criteria provided, single submitter. Criteria: ACMG Guidelines, 2015. Collection method: clinical testing. Allele origin: germline. Affected: no.